The following is an entry in ClinVar:

ClinVar aggregate classification (germline): Pathogenic (1 of 4 stars; one submission).

Conditions:
Sandhoff disease. Also called: Beta-hexosaminidase-beta-subunit deficiency; GM2 gangliosidosis, type 2; Total hexosaminidase deficiency; Sandhoff-Jatzkewitz-Pilz disease; GM2-GANGLIOSIDOSIS, TYPE II; HEXOSAMINIDASES A AND B DEFICIENCY. Identifiers: Orphanet 796, MedGen C0036161, MONDO:0010006, OMIM 268800.

gnomAD v4.1: 2 of 1,597,150 alleles (0.00013%); highest among the groups gnomAD compares: African/African-American, 0.0013%; no homozygotes.

Submission:

Natera, Inc.
Classification: Pathogenic for Sandhoff disease. Last evaluated: 2025-03-24. Review status: criteria provided, single submitter. Criteria: Natera Variant Classification Schema (03/2026). Collection method: clinical testing. Allele origin: germline.
Comment: The c.1242+1G>A variant in HEXB is a canonical splice donor site variant predicted to affect pre-mRNA splicing, which may result in an abnormal transcript and altered protein product. This variant is expected to result in nonsense mediated decay, truncation, or a dysfunctional protein product. This variant is rare in the general population with a frequency below the threshold expected for the associated phenotype(s). This variant has been observed in one or more individuals affected with the associated recessive disease, as either homozygous or compound heterozygous with a second variant (PMID: 22848519). Functional studies show that this variant may disrupt protein function (PMID: 22848519). Given the available evidence, this variant is classified as Pathogenic.

Literature cited by the submitters: PubMed 22848519.

NM_000521.4(HEXB):c.1242+1G>A

Gene: HEXB (hexosaminidase subunit beta; plus strand). Cytogenetic location: 5q13.3.
Variant type: single nucleotide variant.
Coding change: c.1242+1G>A on transcript NM_000521.4 (MANE Select); the canonical splice donor site of the intron after coding-DNA position 1242, G replaced by A.
Molecular consequence: splice donor variant.
Genome position (GRCh38, 1-based): chr5:74,718,364, G>A. VCF-style: chr5-74718364-G-A. GRCh37 (hg19) VCF-style: chr5-74014189-G-A.
Other names: c.567+1G>A (NM_001292004.2).
Identifiers: ClinVar variation 4069224 (VCV004069224.2).